The following is an entry in ClinVar:

ClinVar aggregate classification (germline): Benign/Likely benign. Review status: criteria provided, multiple submitters, no conflicts (2 of 4 stars). 6 submissions from 6 submitters: Benign (4); Likely benign (1). 1 of the submissions does not count toward it. Last evaluated 2022-03-15.

Conditions:
TNC-related disorder. Also called: TNC-related condition.
Autosomal dominant nonsyndromic hearing loss 56. Also called: Deafness, autosomal dominant 56. Identifiers: Orphanet 90635, MedGen C3810170, MONDO:0014283, OMIM 615629.

Allele frequency attached by ClinVar (database versions not stated): ExAC 0.00485; 1000 Genomes Project 0.01538; gnomAD 0.01597 and 0.01478; ESP Exome Variant Server 0.01753; gnomAD exomes 0.00137 and 0.00385; 1000 Genomes Project 30x 0.01624; TOPMed 0.01657.
gnomAD v4.1: 4,336 of 1,613,776 alleles (0.27%); highest among the groups gnomAD compares: African/African-American, 5.2%; 102 homozygotes.

Submissions (6):

Genome-Nilou Lab
Classification: Benign for Autosomal dominant nonsyndromic hearing loss 56. Last evaluated: 2022-03-15. Review status: criteria provided, single submitter. Criteria: ACMG Guidelines, 2015. Collection method: clinical testing. Allele origin: germline. Affected: no.

Fulgent Genetics
Classification: Likely benign for Autosomal dominant nonsyndromic hearing loss 56. Last evaluated: 2021-08-17. Review status: criteria provided, single submitter. Criteria: ACMG Guidelines, 2015. Collection method: clinical testing. Allele origin: unknown.

Labcorp Genetics (formerly Invitae), Labcorp
Classification: Benign. Last evaluated: 2019-12-31. Review status: criteria provided, single submitter. Criteria: Invitae Variant Classification Sherloc (09022015). Collection method: clinical testing. Allele origin: germline.

GeneDx
Classification: Benign. Last evaluated: 2019-01-02. Review status: criteria provided, single submitter. Criteria: GeneDx Variant Classification Process June 2021. Collection method: clinical testing. Allele origin: germline. Affected: yes.

Breakthrough Genomics
Classification: Benign. Review status: criteria provided, single submitter. Criteria: ACMG Guidelines, 2015. Collection method: not provided. Allele origin: germline. Inheritance: Autosomal dominant inheritance. Affected: yes.

PreventionGenetics, part of Exact Sciences
Classification: Benign for TNC-related condition. Last evaluated: 2020-01-28. Review status: no assertion criteria provided. Collection method: clinical testing. Allele origin: germline. Not counted in ClinVar's aggregate classification.
Comment: This variant is classified as benign based on ACMG/AMP sequence variant interpretation guidelines (Richards et al. 2015 PMID: 25741868, with internal and published modifications).

NM_002160.4(TNC):c.6006G>A (p.Leu2002=)

Gene: TNC (tenascin C; minus strand). Cytogenetic location: 9q33.1.
Variant type: single nucleotide variant.
Coding change: c.6006G>A on transcript NM_002160.4 (MANE Select); coding-DNA position 6006, G replaced by A.
Protein change: p.Leu2002=; no amino-acid change (leucine 2002 retained).
Molecular consequence: synonymous variant.
Genome position (GRCh38, 1-based): chr9:115,030,320, C>T on the plus strand (G>A on the coding strand, the complement: TNC is on the minus strand). VCF-style: chr9-115030320-C-T. GRCh37 (hg19) VCF-style: chr9-117792599-C-T.
Identifiers: ClinVar variation 784149 (VCV000784149.10), dbSNP rs61736828, ClinGen allele CA5207482.
Genomic context (GRCh38, chr9:115,030,320, plus strand): 5'-TCCACCCCCATCAGAGGTCATGTCACAGAAGACTTCCAGCGCCTCAGCCTTATCACCATT[C>T]AGATAAATGGTGTAGAGGCCAGAGGTCGTGTCTCCATTCAGCATTGCTTGGGAGCAGTCC-3'
Protein context (NP_002151.2, residues 1992-2012): DTTSGLYTIY[Leu2002=]NGDKAEALEV